The following is an entry in ClinVar:

NM_145045.5(ODAD3):c.405G>A (p.Trp135Ter)

Gene: ODAD3 (outer dynein arm docking complex subunit 3; minus strand). Cytogenetic location: 19p13.2.
Variant type: single nucleotide variant.
Coding change: c.405G>A on transcript NM_145045.5 (MANE Select); coding-DNA position 405, G replaced by A.
Protein change: p.Trp135Ter; replaces tryptophan 135 with a stop codon.
Molecular consequence: nonsense. On other transcripts: intron variant (1).
Genome position (GRCh38, 1-based): chr19:11,430,738, C>T on the plus strand (G>A on the coding strand, the complement: ODAD3 is on the minus strand). VCF-style: chr19-11430738-C-T. GRCh37 (hg19) VCF-style: chr19-11541558-C-T.
Other names: c.243G>A, p.Trp81Ter (NM_001302453.1); c.366+161G>A (NM_001302454.2); short protein forms W135*, W81*.
Identifiers: ClinVar variation 3242104 (VCV003242104.1), dbSNP rs1969484928.

ClinVar aggregate classification (germline): Likely pathogenic (1 of 4 stars; one submission).

Conditions:
Primary ciliary dyskinesia 30. Also called: CILIARY DYSKINESIA, PRIMARY, 30, WITH OR WITHOUT SITUS INVERSUS. Identifiers: Orphanet 244, MedGen C4015016, MONDO:0014465, OMIM 616037.

Submission:

Neuberg Centre For Genomic Medicine, NCGM
Classification: Likely pathogenic for Primary ciliary dyskinesia 30. Review status: criteria provided, single submitter. Criteria: ACMG Guidelines, 2015. Collection method: clinical testing. Allele origin: germline. Inheritance: Autosomal recessive inheritance. Affected: yes.
Comment: The observed stop gain variant c.405G>A (p.Trp135Ter) in ODAD3 gene has not been reported previously as a pathogenic variant nor as a benign variant, to our knowledge. The c.405G>A variant is absent in gnomAD Exomes database. This variant has not been submitted to the ClinVar database. The nucleotide change c.405G>A in ODAD3 is predicted as conserved by GERP++ and PhyloP across 100 vertebrates. This variant is predicted to cause loss of normal protein function through protein truncation. Mutation taster predicts that this variant is likely to undergo non-sense mediated decay. Loss of function termination variants in ODAD3 have been previously reported to be disease causing. Additional studies will be required to prove the pathogenicity of this variant. For these reasons, this variant has been classified as Likely Pathogenic.